The following is an entry in ClinVar:

NM_005359.6(SMAD4):c.849C>A (p.His283Gln)

Gene: SMAD4 (SMAD family member 4; plus strand). Cytogenetic location: 18q21.2.
Variant type: single nucleotide variant.
Coding change: c.849C>A on transcript NM_005359.6 (MANE Select); coding-DNA position 849, C replaced by A.
Protein change: p.His283Gln; replaces histidine 283 with glutamine.
Molecular consequence: missense variant.
Genome position (GRCh38, 1-based): chr18:51,058,401, C>A. VCF-style: chr18-51058401-C-A. GRCh37 (hg19) VCF-style: chr18-48584771-C-A.
Other names: short protein forms H283Q.
Identifiers: ClinVar variation 1337713 (VCV001337713.4), dbSNP rs2144428968, ClinGen allele CA402463501.

ClinVar aggregate classification (germline): Uncertain significance (1 of 4 stars; one submission).

Submission:

Genetic Services Laboratory, University of Chicago
Classification: Uncertain significance. Last evaluated: 2020-09-08. Review status: criteria provided, single submitter. Criteria: ACMG Guidelines, 2015. Collection method: clinical testing. Allele origin: germline. Affected: no.
Comment: DNA sequence analysis of the SMAD4 gene demonstrated a sequence change, c.849C>A, in exon 7 that results in an amino acid change, p.His283Gln. This sequence change does not appear to have been previously described in patients with SMAD4-related disorders and has also not been described in population databases (gnomAD, ExAC). The p.His283Gln change affects a highly conserved amino acid residue located in a domain of the SMAD4 protein that is not known to be functional. The p.His283Gln substitution appears to be benign using several in-silico pathogenicity prediction tools (SIFT, PolyPhen2, Align GVGD, REVEL). Due to these contrasting evidences and the lack of functional studies, the clinical significance of the p.His283Gln change remains unknown at this time.